The following is an entry in ClinVar:

ClinVar aggregate classification (germline): Conflicting classifications of pathogenicity. Review status: criteria provided, conflicting classifications (1 of 4 stars). 2 submissions from 2 submitters: Uncertain significance (1); Likely benign (1). Last evaluated 2025-04-11.

Allele frequency attached by ClinVar (database versions not stated): gnomAD 0.00007.
gnomAD v4.1: 24 of 1,512,256 alleles (0.0016%); highest among the groups gnomAD compares: African/African-American, 0.02%; no homozygotes.

Submissions (2):

Labcorp Genetics (formerly Invitae), Labcorp
Classification: Uncertain significance. Last evaluated: 2025-04-11. Review status: criteria provided, single submitter. Criteria: Invitae Variant Classification Sherloc (09022015). Collection method: clinical testing. Allele origin: germline.
Comment: This sequence change replaces arginine, which is basic and polar, with tryptophan, which is neutral and slightly polar, at codon 477 of the ZCCHC8 protein (p.Arg477Trp). This variant is present in population databases (rs750242474, gnomAD 0.03%). This variant has not been reported in the literature in individuals affected with ZCCHC8-related conditions. ClinVar contains an entry for this variant (Variation ID: 1524047). Invitae Evidence Modeling of protein sequence and biophysical properties (such as structural, functional, and spatial information, amino acid conservation, physicochemical variation, residue mobility, and thermodynamic stability) indicates that this missense variant is not expected to disrupt ZCCHC8 protein function with a negative predictive value of 80%. In summary, the available evidence is currently insufficient to determine the role of this variant in disease. Therefore, it has been classified as a Variant of Uncertain Significance.

Blueprint Genetics
Classification: Likely benign. Last evaluated: 2022-11-12. Review status: criteria provided, single submitter. Criteria: ACMG Guidelines, 2015. Collection method: clinical testing. Allele origin: germline.

NM_017612.5(ZCCHC8):c.1429C>T (p.Arg477Trp)

Gene: ZCCHC8 (zinc finger CCHC-type containing 8; minus strand). Cytogenetic location: 12q24.31.
Variant type: single nucleotide variant.
Coding change: c.1429C>T on transcript NM_017612.5 (MANE Select); coding-DNA position 1429, C replaced by T.
Protein change: p.Arg477Trp; replaces arginine 477 with tryptophan.
Molecular consequence: missense variant.
Genome position (GRCh38, 1-based): chr12:122,474,192, G>A on the plus strand (C>T on the coding strand, the complement: ZCCHC8 is on the minus strand). VCF-style: chr12-122474192-G-A. GRCh37 (hg19) VCF-style: chr12-122958739-G-A.
Other names: c.1198C>T, p.Arg400Trp (NM_001350935.2); c.1132C>T, p.Arg378Trp (NM_001350936.2); c.715C>T, p.Arg239Trp (NM_001350937.2, NM_001350938.2); short protein forms R400W, R239W, R378W, R477W.
Identifiers: ClinVar variation 1524047 (VCV001524047.7), dbSNP rs750242474, ClinGen allele CA6846175.
Genomic context (GRCh38, chr12:122,474,192, plus strand): 5'-GAGTCAGCGGCGGGGTGCCCTTTGGGAGTGGAGGGGTGAAGACGGGTGGAGGAGTTCCCC[G>A]GGGGAGTGGAGGAGTGTCAGGAGGTAATGGTGGTTGAAACTGAAAACTTTCGCTGCTCTG-3'
Protein context (NP_060082.2, residues 467-487): PLPPDTPPLP[Arg477Trp]GTPPPVFTPP